The following is an entry in ClinVar:

NM_014339.7(IL17RA):c.2098G>A (p.Gly700Ser)

Gene: IL17RA (interleukin 17 receptor A; plus strand). Cytogenetic location: 22q11.1.
Variant type: single nucleotide variant.
Coding change: c.2098G>A on transcript NM_014339.7 (MANE Select); coding-DNA position 2098, G replaced by A.
Protein change: p.Gly700Ser; replaces glycine 700 with serine.
Molecular consequence: missense variant.
Genome position (GRCh38, 1-based): chr22:17,109,317, G>A. VCF-style: chr22-17109317-G-A. GRCh37 (hg19) VCF-style: chr22-17590207-G-A.
Other names: c.1996G>A, p.Gly666Ser (NM_001289905.2); short protein forms G666S, G700S.
Identifiers: ClinVar variation 2082324 (VCV002082324.4), dbSNP rs2517175175, ClinGen allele CA410220653.

ClinVar aggregate classification (germline): Uncertain significance (1 of 4 stars; one submission).

Conditions:
Immunodeficiency 51 (IMD51). Also called: CANDIDIASIS, FAMILIAL, 5. Identifiers: Orphanet 1334, MedGen C4310803, MONDO:0013500, OMIM 613953.

Submission:

Labcorp Genetics (formerly Invitae), Labcorp
Classification: Uncertain significance for Immunodeficiency 51. Last evaluated: 2022-01-13. Review status: criteria provided, single submitter. Criteria: Invitae Variant Classification Sherloc (09022015). Collection method: clinical testing. Allele origin: germline.
Comment: In summary, the available evidence is currently insufficient to determine the role of this variant in disease. Therefore, it has been classified as a Variant of Uncertain Significance. Algorithms developed to predict the effect of missense changes on protein structure and function output the following: SIFT: "Tolerated"; PolyPhen-2: "Benign"; Align-GVGD: "Class C0". The serine amino acid residue is found in multiple mammalian species, which suggests that this missense change does not adversely affect protein function. This variant has not been reported in the literature in individuals affected with IL17RA-related conditions. This variant is not present in population databases (gnomAD no frequency). This sequence change replaces glycine, which is neutral and non-polar, with serine, which is neutral and polar, at codon 700 of the IL17RA protein (p.Gly700Ser).